The following is an entry in ClinVar:

NM_133379.5(TTN):c.12326C>T (p.Ala4109Val)

Gene: TTN (titin; minus strand). Cytogenetic location: 2q31.2.
Variant type: single nucleotide variant.
Coding change: c.12326C>T on transcript NM_133379.5; coding-DNA position 12326, C replaced by T.
Protein change: p.Ala4109Val; replaces alanine 4109 with valine.
Molecular consequence: missense variant. On other transcripts: intron variant (6).
Genome position (GRCh38, 1-based): chr2:178,750,074, G>A on the plus strand (C>T on the coding strand, the complement: TTN is on the minus strand). VCF-style: chr2-178750074-G-A. GRCh37 (hg19) VCF-style: chr2-179614801-G-A.
Other names: c.10222+3050C>T (NM_003319.4); c.10798+3050C>T (NM_133437.4); c.10597+3050C>T (NM_133432.3); c.10360+3050C>T (NM_133378.4, NM_001256850.1); c.11311+3050C>T (NM_001267550.2); short protein forms A4109V.
Identifiers: ClinVar variation 4990220 (VCV004990220.1), dbSNP rs774990184.

ClinVar aggregate classification (germline): Uncertain significance (1 of 4 stars; one submission).

Conditions:
TTN-related disorder. Also called: TTN-related disorders; TTN-related condition; TTN-related disease.

Allele frequency attached by ClinVar (database versions not stated): gnomAD 0.00004; TOPMed 0.00005 and 0.00007; gnomAD exomes 0.00006; ExAC 0.00009.
gnomAD v4.1: 93 of 1,613,038 alleles (0.0058%); highest among the groups gnomAD compares: East Asian, 0.2%; 1 homozygote.

Submission:

PreventionGenetics, part of Exact Sciences
Classification: Uncertain significance for TTN-related condition. Last evaluated: 2025-09-04. Review status: criteria provided, single submitter. Criteria: ACMG Guidelines, 2015. Collection method: clinical testing. Allele origin: germline.
Comment: The TTN c.11311+3050C>T variant is predicted to interfere with splicing. This variant is also referred to as c.12326C>T (p.Ala4109Val) in the Novex-3 transcript NM_133379. This variant is located in exon 46 of the Novex-3 transcript (minor small cardiac isoform) which is the last exon of this transcript. This exon is not included in any other TTN transcripts (principle cardiac or skeletal muscle isoforms). To our knowledge, this variant has not been reported in the literature. This variant is reported in 0.076% of alleles in individuals of East Asian descent in gnomAD. Although we suspect that this variant may be benign, at this time, the clinical significance of this variant is uncertain due to the absence of conclusive functional and genetic evidence.